The following is an entry in ClinVar:

NM_144670.6(A2ML1):c.1436C>A (p.Ala479Asp)

Gene: A2ML1 (alpha-2-macroglobulin like 1; plus strand). Cytogenetic location: 12p13.31.
Variant type: single nucleotide variant.
Coding change: c.1436C>A on transcript NM_144670.6 (MANE Select); coding-DNA position 1436, C replaced by A.
Protein change: p.Ala479Asp; replaces alanine 479 with aspartic acid.
Molecular consequence: missense variant.
Genome position (GRCh38, 1-based): chr12:8,843,321, C>A. VCF-style: chr12-8843321-C-A. GRCh37 (hg19) VCF-style: chr12-8995917-C-A.
Other names: short protein forms A479D.
Identifiers: ClinVar variation 1772624 (VCV001772624.2), dbSNP rs1356307169, ClinGen allele CA383825222.

ClinVar aggregate classification (germline): Uncertain significance (1 of 4 stars; one submission).

Allele frequency attached by ClinVar (database versions not stated): gnomAD exomes below 0.00001.
gnomAD v4.1: 1 of 1,613,828 alleles (0.000062%); highest among the groups gnomAD compares: Non-Finnish European, 0.000085%; no homozygotes.

Submission:

Ambry Genetics
Classification: Uncertain significance. Last evaluated: 2022-09-05. Review status: criteria provided, single submitter. Criteria: Ambry Variant Classification Scheme 2023. Collection method: clinical testing. Allele origin: germline.
Comment: The p.A479D variant (also known as c.1436C>A), located in coding exon 12 of the A2ML1 gene, results from a C to A substitution at nucleotide position 1436. The alanine at codon 479 is replaced by aspartic acid, an amino acid with dissimilar properties. This amino acid position is conserved. In addition, this alteration is predicted to be tolerated by in silico analysis. Since supporting evidence is limited at this time, the clinical significance of this alteration remains unclear.